The following is an entry in ClinVar:

ClinVar aggregate classification (germline): Pathogenic (1 of 4 stars; one submission).

Conditions:
Pheochromocytoma. Also called: MAX-Related Hereditary Paraganglioma-Pheochromocytoma Syndrome. Identifiers: Orphanet 29072, MedGen C0031511, MONDO:0008233, OMIM 171300, HP:0002666.
Gastrointestinal stromal tumor. Also called: Gastrointestinal stroma tumor; Gastrointestinal stromal tumor, somatic. Identifiers: Orphanet 44890, MedGen C0238198, MeSH D046152, MONDO:0011719, OMIM 606764, HP:0100723.
Pheochromocytoma/paraganglioma syndrome 4. Also called: CAROTID BODY TUMORS AND MULTIPLE EXTRAADRENAL PHEOCHROMOCYTOMAS; PARAGANGLIOMA, FAMILIAL MALIGNANT; PARAGANGLIOMAS, HEREDITARY EXTRAADRENAL; PHEOCHROMOCYTOMA, FAMILIAL EXTRAADRENAL; Paragangliomas 4; SDHB-Related Hereditary Paraganglioma-Pheochromocytoma Syndrome (Paragangliomas 4). Identifiers: Orphanet 29072, MedGen C1861848, MONDO:0007273, OMIM 115310.

Submission:

Labcorp Genetics (formerly Invitae), Labcorp
Classification: Pathogenic for Gastrointestinal stromal tumor; Pheochromocytoma/paraganglioma syndrome 4; Pheochromocytoma. Last evaluated: 2025-08-30. Review status: criteria provided, single submitter. Criteria: Invitae Variant Classification Sherloc (09022015). Collection method: clinical testing. Allele origin: germline.
Comment: This variant results in the deletion of part of exon 6 (c.558_642+276del) of the SDHB gene. RNA analysis indicates that this variant induces altered splicing and may result in an absent or altered protein product. This variant is not present in population databases (gnomAD no frequency). This variant has been observed in individual(s) with clinical features of paraganglioma-pheochromocytoma syndrome (internal data). Studies have shown that this variant results in skipping of exon 6, and produces a non-functional protein and/or introduces a premature termination codon (internal data). This variant disrupts a region of the SDHB protein in which other variant(s) (p.Gly208Glu) have been determined to be pathogenic (PMID: 16317055; internal data). This suggests that this is a clinically significant region of the protein, and that variants that disrupt it are likely to be disease-causing. For these reasons, this variant has been classified as Pathogenic.

Literature cited by the submitters: PubMed 16317055.

NM_003000.3(SDHB):c.558_642+276del

Gene: SDHB (succinate dehydrogenase complex iron sulfur subunit B; minus strand). Cytogenetic location: 1p36.13.
Variant type: Deletion.
Coding change: c.558_642+276del on transcript NM_003000.3 (MANE Select); coding-DNA position 558 through 276 bases into the intron after coding-DNA position 642, 361 bases deleted.
Molecular consequence: splice donor variant.
Genome position (GRCh38, 1-based): chr1:17,023,697-17,024,057, 361 bases deleted. GRCh37 (hg19): chr1:17,350,194-17,350,554.
Other names: c.504_588+276del (NM_001407361.1).
Identifiers: ClinVar variation 4786006 (VCV004786006.1).